The following is an entry in ClinVar:

NM_002439.5(MSH3):c.1073A>G (p.Glu358Gly)

Gene: MSH3 (mutS homolog 3; plus strand). Cytogenetic location: 5q14.1.
Variant type: single nucleotide variant.
Coding change: c.1073A>G on transcript NM_002439.5 (MANE Select); coding-DNA position 1073, A replaced by G.
Protein change: p.Glu358Gly; replaces glutamic acid 358 with glycine.
Molecular consequence: missense variant.
Genome position (GRCh38, 1-based): chr5:80,675,028, A>G. VCF-style: chr5-80675028-A-G. GRCh37 (hg19) VCF-style: chr5-79970847-A-G.
Other names: short protein forms E358G.
Identifiers: ClinVar variation 2586079 (VCV002586079.2), dbSNP rs1749807265, ClinGen allele CA360267990.

ClinVar aggregate classification (germline): Uncertain significance (1 of 4 stars; one submission).

Conditions:
Hereditary cancer-predisposing syndrome. Also called: Hereditary neoplastic syndrome; Tumor predisposition; Hereditary Cancer Syndrome; Neoplastic Syndromes, Hereditary. Identifiers: Orphanet 140162, MedGen C0027672, MeSH D009386, MONDO:0015356.

Submission:

Ambry Genetics
Classification: Uncertain significance for Hereditary cancer-predisposing syndrome. Last evaluated: 2023-08-26. Review status: criteria provided, single submitter. Criteria: Ambry Variant Classification Scheme 2023. Collection method: clinical testing. Allele origin: germline.
Comment: The p.E358G variant (also known as c.1073A>G), located in coding exon 7 of the MSH3 gene, results from an A to G substitution at nucleotide position 1073. The glutamic acid at codon 358 is replaced by glycine, an amino acid with similar properties. This amino acid position is conserved. In addition, the in silico prediction for this alteration is inconclusive. Since supporting evidence is limited at this time, the clinical significance of this alteration remains unclear.